The following is an entry in ClinVar:

ClinVar aggregate classification (germline): Uncertain significance (1 of 4 stars; one submission).

gnomAD v4.1: 5 of 1,557,244 alleles (0.00032%); highest among the groups gnomAD compares: East Asian, 0.0024%; no homozygotes.

Submission:

Labcorp Genetics (formerly Invitae), Labcorp
Classification: Uncertain significance. Last evaluated: 2024-09-09. Review status: criteria provided, single submitter. Criteria: Invitae Variant Classification Sherloc (09022015). Collection method: clinical testing. Allele origin: germline.
Comment: This sequence change affects codon 637 of the CSF2RB mRNA. It is a 'silent' change, meaning that it does not change the encoded amino acid sequence of the CSF2RB protein. The frequency data for this variant in the population databases is considered unreliable, as metrics indicate poor data quality at this position in the gnomAD database. This variant has not been reported in the literature in individuals affected with CSF2RB-related conditions. Algorithms developed to predict the effect of sequence changes on RNA splicing suggest that this variant may create or strengthen a splice site. In summary, the available evidence is currently insufficient to determine the role of this variant in disease. Therefore, it has been classified as a Variant of Uncertain Significance.

NM_000395.3(CSF2RB):c.1911G>A (p.Val637=)

Gene: CSF2RB (colony stimulating factor 2 receptor subunit beta; plus strand). Cytogenetic location: 22q12.3.
Variant type: single nucleotide variant.
Coding change: c.1911G>A on transcript NM_000395.3 (MANE Select); coding-DNA position 1911, G replaced by A.
Protein change: p.Val637=; no amino-acid change (valine 637 retained).
Molecular consequence: synonymous variant.
Genome position (GRCh38, 1-based): chr22:36,937,719, G>A. VCF-style: chr22-36937719-G-A. GRCh37 (hg19) VCF-style: chr22-37333761-G-A.
Other names: c.1929G>A, p.Val643= (NM_001410827.1).
Identifiers: ClinVar variation 3607390 (VCV003607390.2).